The following is an entry in ClinVar:

ClinVar aggregate classification (germline): Uncertain significance. Review status: criteria provided, multiple submitters, no conflicts (2 of 4 stars). 11 submissions from 11 submitters: Uncertain significance (9). 2 of the submissions do not count toward it. Last evaluated 2024-12-01.

Conditions:
Progressive myoclonic epilepsy type 6. Identifiers: Orphanet 280620, MedGen C5190805, MONDO:0013526, OMIM 614018.
Inborn genetic diseases. Identifiers: MedGen C0950123, MeSH D030342.
Progressive myoclonic epilepsy. Also called: Myoclonus epilepsy; Familial progressive myoclonic epilepsy; Myoclonic Epilepsies, Progressive; Progressive myoclonus epilepsy. Identifiers: Orphanet 308, Orphanet 98261, MedGen C0751778, MONDO:0020074.

Allele frequency attached by ClinVar (database versions not stated): gnomAD 0.00031 and 0.00027; ESP Exome Variant Server 0.00015; 1000 Genomes Project 30x 0.00016; 1000 Genomes Project 0.00020; ExAC 0.00021; TOPMed 0.00026; gnomAD exomes 0.00027 and 0.00029.
gnomAD v4.1: 459 of 1,614,102 alleles (0.028%); highest among the groups gnomAD compares: Non-Finnish European, 0.034%; no homozygotes.

Submissions (11):

CeGaT Center for Human Genetics Tuebingen
Classification: Uncertain significance. Last evaluated: 2024-12-01. Review status: criteria provided, single submitter. Criteria: CeGaT Center For Human Genetics Tuebingen Variant Classification Criteria Version 2. Collection method: clinical testing. Allele origin: germline. Affected: yes. Observed: 2 variant alleles.
Comment: GOSR2: PM2

Blueprint Genetics
Classification: Uncertain significance. Last evaluated: 2024-11-13. Review status: criteria provided, single submitter. Criteria: ACMG Guidelines, 2015. Collection method: clinical testing. Allele origin: germline.

Mayo Clinic Laboratories, Mayo Clinic
Classification: Uncertain significance. Last evaluated: 2024-01-29. Review status: criteria provided, single submitter. Criteria: ACMG Guidelines, 2015. Collection method: clinical testing. Allele origin: germline. Observed: 1 variant allele.

GeneDx
Classification: Uncertain significance. Last evaluated: 2023-05-28. Review status: criteria provided, single submitter. Criteria: GeneDx Variant Classification Process June 2021. Collection method: clinical testing. Allele origin: germline. Affected: yes.
Comment: Reported in the heterozygous state in a patient with epilepsy, mild developmental delays and ADHD who also harbored a pathogenic variant in the SCN1A gene (de Lange et al., 2020); In silico analysis supports that this missense variant has a deleterious effect on protein structure/function; This variant is associated with the following publications: (PMID: 32032478)

Ambry Genetics
Classification: Uncertain significance for Inborn genetic diseases. Last evaluated: 2022-10-17. Review status: criteria provided, single submitter. Criteria: Ambry Variant Classification Scheme 2023. Collection method: clinical testing. Allele origin: germline.

Labcorp Genetics (formerly Invitae), Labcorp
Classification: Uncertain significance for Progressive myoclonic epilepsy. Last evaluated: 2022-09-12. Review status: criteria provided, single submitter. Criteria: Invitae Variant Classification Sherloc (09022015). Collection method: clinical testing. Allele origin: germline.
Comment: This sequence change replaces asparagine, which is neutral and polar, with serine, which is neutral and polar, at codon 170 of the GOSR2 protein (p.Asn170Ser). This variant is present in population databases (rs150907052, gnomAD 0.06%). This variant has not been reported in the literature in individuals affected with GOSR2-related conditions. ClinVar contains an entry for this variant (Variation ID: 205631). Algorithms developed to predict the effect of missense changes on protein structure and function (SIFT, PolyPhen-2, Align-GVGD) all suggest that this variant is likely to be tolerated. In summary, the available evidence is currently insufficient to determine the role of this variant in disease. Therefore, it has been classified as a Variant of Uncertain Significance.

Fulgent Genetics
Classification: Uncertain significance for Progressive myoclonic epilepsy type 6. Last evaluated: 2022-02-24. Review status: criteria provided, single submitter. Criteria: ACMG Guidelines, 2015. Collection method: clinical testing. Allele origin: unknown.

Revvity Omics, Revvity
Classification: Uncertain significance. Last evaluated: 2019-06-25. Review status: criteria provided, single submitter. Criteria: ACMG Guidelines, 2015. Collection method: clinical testing. Allele origin: germline.

Breakthrough Genomics
Classification: Uncertain significance. Review status: criteria provided, single submitter. Criteria: ACMG Guidelines, 2015. Collection method: not provided. Allele origin: germline. Inheritance: Autosomal recessive inheritance. Affected: yes.

Clinical Genetics DNA and cytogenetics Diagnostics Lab, Erasmus MC, Erasmus Medical Center
Classification: Uncertain significance. Review status: no assertion criteria provided. Collection method: clinical testing. Allele origin: germline. Affected: yes. Study: VKGL Data-share Consensus. Not counted in ClinVar's aggregate classification.

Diagnostic Laboratory, Department of Genetics, University Medical Center Groningen
Classification: Uncertain significance. Review status: no assertion criteria provided. Collection method: clinical testing. Allele origin: germline. Affected: yes. Study: VKGL Data-share Consensus. Not counted in ClinVar's aggregate classification.

Literature cited by the submitters: PubMed 32032478 (cited by Mayo Clinic Laboratories, Mayo Clinic and Ambry Genetics).

NM_004287.5(GOSR2):c.509A>G (p.Asn170Ser)

Genes: GOSR2 (golgi SNAP receptor complex member 2; plus strand), LRRC37A2 (leucine rich repeat containing 37 member A2). Cytogenetic location: 17q21.32.
Variant type: single nucleotide variant.
Coding change: c.509A>G on transcript NM_004287.5 (MANE Select); coding-DNA position 509, A replaced by G.
Protein change: p.Asn170Ser; replaces asparagine 170 with serine.
Molecular consequence: missense variant. On other transcripts: non-coding transcript variant (3).
Genome position (GRCh38, 1-based): chr17:46,938,630, A>G. VCF-style: chr17-46938630-A-G. GRCh37 (hg19) VCF-style: chr17-45015996-A-G.
Other names: p.N170S:AAC>AGC; p.Asn170Ser; c.509A>G (NM_004287.4); c.509A>G, p.Asn170Ser (NM_001321133.2, NM_054022.4); c.314A>G, p.Asn105Ser (NM_001321134.2); c.368A>G, p.Asn123Ser (NM_001330252.2); c.506A>G, p.Asn169Ser (NM_001353114.2); c.365A>G, p.Asn122Ser (NM_001353115.2, NM_001353116.2); and 1 more; short protein forms N170S, N105S, N123S, N169S, N122S, N152S.
Identifiers: ClinVar variation 205631 (VCV000205631.52), dbSNP rs150907052, ClinGen allele CA314904.